The following is an entry in ClinVar:

ClinVar aggregate classification (germline): Uncertain significance. Review status: criteria provided, multiple submitters, no conflicts (2 of 4 stars). 2 submissions from 2 submitters: Uncertain significance (2). Last evaluated 2024-08-04.

Conditions:
Inborn genetic diseases. Identifiers: MedGen C0950123, MeSH D030342.

Allele frequency attached by ClinVar (database versions not stated): gnomAD 0.00003; gnomAD exomes 0.00005; TOPMed 0.00006; ExAC 0.00012.
gnomAD v4.1: 37 of 1,614,002 alleles (0.0023%); highest among the groups gnomAD compares: Admixed American, 0.062%; no homozygotes.

Submissions (2):

Ambry Genetics
Classification: Uncertain significance for Inborn genetic diseases. Last evaluated: 2024-08-04. Review status: criteria provided, single submitter. Criteria: Ambry Variant Classification Scheme 2023. Collection method: clinical testing. Allele origin: germline.

Labcorp Genetics (formerly Invitae), Labcorp
Classification: Uncertain significance. Last evaluated: 2024-03-11. Review status: criteria provided, single submitter. Criteria: Invitae Variant Classification Sherloc (09022015). Collection method: clinical testing. Allele origin: germline.
Comment: This sequence change replaces alanine, which is neutral and non-polar, with serine, which is neutral and polar, at codon 426 of the FLVCR2 protein (p.Ala426Ser). This variant is present in population databases (rs745968780, gnomAD 0.1%). This variant has not been reported in the literature in individuals affected with FLVCR2-related conditions. ClinVar contains an entry for this variant (Variation ID: 2084065). Advanced modeling of protein sequence and biophysical properties (such as structural, functional, and spatial information, amino acid conservation, physicochemical variation, residue mobility, and thermodynamic stability) performed at Invitae indicates that this missense variant is not expected to disrupt FLVCR2 protein function with a negative predictive value of 80%. In summary, the available evidence is currently insufficient to determine the role of this variant in disease. Therefore, it has been classified as a Variant of Uncertain Significance.

NM_017791.3(FLVCR2):c.1276G>T (p.Ala426Ser)

Gene: FLVCR2 (FLVCR choline and putative heme transporter 2; plus strand). Cytogenetic location: 14q24.3.
Variant type: single nucleotide variant.
Coding change: c.1276G>T on transcript NM_017791.3 (MANE Select); coding-DNA position 1276, G replaced by T.
Protein change: p.Ala426Ser; replaces alanine 426 with serine.
Molecular consequence: missense variant.
Genome position (GRCh38, 1-based): chr14:75,640,995, G>T. VCF-style: chr14-75640995-G-T. GRCh37 (hg19) VCF-style: chr14-76107338-G-T.
Other names: c.1276G>T (NM_017791.2); c.661G>T, p.Ala221Ser (NM_001195283.2); short protein forms A426S, A221S.
Identifiers: ClinVar variation 2084065 (VCV002084065.5), dbSNP rs745968780, ClinGen allele CA7278504.